The following is an entry in ClinVar:

NM_001987.5(ETV6):c.1138T>G (p.Trp380Gly)

Genes: ETV6 (ETS variant transcription factor 6; plus strand), LOC126861452 (CDK7 strongly-dependent group 2 enhancer GRCh37_chr12:12037195-12038394; plus strand). Cytogenetic location: 12p13.2.
Variant type: single nucleotide variant.
Coding change: c.1138T>G on transcript NM_001987.5 (MANE Select); coding-DNA position 1138, T replaced by G.
Protein change: p.Trp380Gly; replaces tryptophan 380 with glycine.
Molecular consequence: missense variant. On other transcripts: intron variant (1).
Genome position (GRCh38, 1-based): chr12:11,884,573, T>G. VCF-style: chr12-11884573-T-G. GRCh37 (hg19) VCF-style: chr12-12037507-T-G.
Other names: c.1135T>G, p.Trp379Gly (NM_001413913.1); c.1111T>G, p.Trp371Gly (NM_001413914.1); c.874T>G, p.Trp292Gly (NM_001413915.1); c.1010-6368T>G (NM_001413917.1); short protein forms W371G, W379G, W380G, W292G.
Identifiers: ClinVar variation 4020040 (VCV004020040.1).

ClinVar aggregate classification (germline): Uncertain significance (1 of 4 stars; one submission).

Conditions:
Inborn genetic diseases. Identifiers: MedGen C0950123, MeSH D030342.

Submission:

Ambry Genetics
Classification: Uncertain significance for Inborn genetic diseases. Last evaluated: 2025-03-27. Review status: criteria provided, single submitter. Criteria: Ambry Variant Classification Scheme 2023. Collection method: clinical testing. Allele origin: germline.
Comment: The p.W380G variant (also known as c.1138T>G), located in coding exon 6 of the ETV6 gene, results from a T to G substitution at nucleotide position 1138. The tryptophan at codon 380 is replaced by glycine, an amino acid with highly dissimilar properties. This amino acid position is highly conserved in available vertebrate species. In addition, this alteration is predicted to be deleterious by in silico analysis. Based on the available evidence, the clinical significance of this variant remains unclear.